The following is an entry in ClinVar:

ClinVar aggregate classification (germline): Uncertain significance (1 of 4 stars; one submission).

Conditions:
Cardiovascular phenotype. Identifiers: MedGen CN230736.

Allele frequency attached by ClinVar (database versions not stated): gnomAD exomes below 0.00001.
gnomAD v4.1: 2 of 1,614,052 alleles (0.00012%); highest among the groups gnomAD compares: Non-Finnish European, 0.00017%; no homozygotes.

Submission:

Ambry Genetics
Classification: Uncertain significance for Cardiovascular phenotype. Last evaluated: 2020-03-17. Review status: criteria provided, single submitter. Criteria: Ambry Variant Classification Scheme 2023. Collection method: clinical testing. Allele origin: germline.
Comment: The p.V2699A variant (also known as c.8096T>C), located in coding exon 32 of the AKAP9 gene, results from a T to C substitution at nucleotide position 8096. The valine at codon 2699 is replaced by alanine, an amino acid with similar properties. This amino acid position is poorly conserved in available vertebrate species. In addition, this alteration is predicted to be tolerated by in silico analysis. Since supporting evidence is limited at this time, the clinical significance of this alteration remains unclear.

NM_005751.5(AKAP9):c.8096T>C (p.Val2699Ala)

Gene: AKAP9 (A-kinase anchoring protein 9; plus strand). Cytogenetic location: 7q21.2.
Variant type: single nucleotide variant.
Coding change: c.8096T>C on transcript NM_005751.5 (MANE Select); coding-DNA position 8096, T replaced by C.
Protein change: p.Val2699Ala; replaces valine 2699 with alanine.
Molecular consequence: missense variant.
Genome position (GRCh38, 1-based): chr7:92,082,598, T>C. VCF-style: chr7-92082598-T-C. GRCh37 (hg19) VCF-style: chr7-91711912-T-C.
Other names: c.2741T>C, p.Val914Ala (NM_001379277.1); c.8072T>C, p.Val2691Ala (NM_147185.3); short protein forms V2691A, V914A, V2699A.
Identifiers: ClinVar variation 1761967 (VCV001761967.2), dbSNP rs2535255287, ClinGen allele CA368137342.